The following is an entry in ClinVar:

ClinVar aggregate classification (germline): Likely pathogenic (1 of 4 stars; one submission).

Conditions:
Intellectual developmental disorder, autosomal dominant 56. Also called: MENTAL RETARDATION, AUTOSOMAL DOMINANT 56; Intellectual disability, autosomal dominant 56. Identifiers: MedGen C4693389, MONDO:0030922, OMIM 617854.

Submission:

Juno Genomics, Hangzhou Juno Genomics, Inc
Classification: Likely pathogenic for Intellectual developmental disorder, autosomal dominant 56. Review status: criteria provided, single submitter. Criteria: ACMG Guidelines, 2015. Collection method: clinical testing. Allele origin: germline. Affected: yes.
Comment: Absent from controls (or at extremely low frequency if recessive) in Genome Aggregation Database, Exome Sequencing Project, 1000 Genomes Project, or Exome Aggregation Consortium.;Null variant in a gene where loss of function (LOF) is a known mechanism of disease.

NM_004859.4(CLTC):c.4098del (p.Asp1366fs)

Genes: CLTC (clathrin heavy chain; plus strand), LOC126862609 (CDK7 strongly-dependent group 2 enhancer GRCh37_chr17:57760547-57761746; plus strand). Cytogenetic location: 17q23.1.
Variant type: Deletion.
Coding change: c.4098del on transcript NM_004859.4 (MANE Select); coding-DNA position 4098, one base deleted (C; older notation c.4098delC).
Protein change: p.Asp1366fs; shifts the reading frame from aspartic acid 1366.
Molecular consequence: frameshift variant.
Genome position (GRCh38, 1-based): chr17:59,683,443, C deleted. VCF-style (leftmost placement, unchanged base first): chr17-59683442-AC-A. GRCh37 (hg19) VCF-style: chr17-57760803-AC-A.
Other names: c.4110del, p.Asp1370fs (NM_001288653.2); short protein forms D1366fs, D1370fs.
Identifiers: ClinVar variation 3382817 (VCV003382817.2).